The following is an entry in ClinVar:

ClinVar aggregate classification (germline): Pathogenic/Likely pathogenic. Review status: criteria provided, multiple submitters, no conflicts (2 of 4 stars). 14 submissions from 13 submitters: Pathogenic (9); Likely pathogenic (2). 3 of the submissions do not count toward it. Last evaluated 2026-04-14.

Conditions:
Familial intrahepatic cholestasis. Identifiers: Orphanet 284385, MedGen CN296401, MONDO:0017290.
Progressive familial intrahepatic cholestasis type 2. Identifiers: Orphanet 79304, MedGen C3489789, MONDO:0011156, OMIM 601847.
Benign recurrent intrahepatic cholestasis type 2 (BRIC2). Also called: Recurrent familial intrahepatic cholestasis 2. Identifiers: Orphanet 65682, Orphanet 99961, MedGen C2608083, MONDO:0011559, OMIM 605479.
ABCB11-related disorder. Also called: ABCB11-related condition.

Allele frequency attached by ClinVar (database versions not stated): gnomAD exomes 0.00001; ExAC 0.00002; TOPMed 0.00002; gnomAD 0.00003 and 0.00004.
gnomAD v4.1: 17 of 1,613,684 alleles (0.0011%); highest among the groups gnomAD compares: Admixed American, 0.0033%; no homozygotes.

Submissions (14):

Genomenon, Inc
Classification: Pathogenic for Familial intrahepatic cholestasis. Last evaluated: 2026-04-14. Review status: criteria provided, single submitter. Criteria: Genomenon Sequence Variant Interpretation Standards - Updated. Collection method: curation. Allele origin: germline. Affected: yes.
Comment: ABCB11 p.Arg1153Cys (c.3457C>T) is a missense variant that changes the amino acid at residue 1153 from Arginine to Cysteine. This variant has been observed in at least one proband with an ABCB11-related disorder (PMID:37471416;35780807;34961929;33915153;32309332;28119944;18395098;20232290;26678486;27050426). The variant was found to segregate with disease in at least one affected family (PMID:34961929;33915153;27050426). At least one functional study has demonstrated a substantial alteration in protein function relative to the wild-type (PMID:40195555;17947449;20010382;12370274). It is absent or not present at a significant frequency in gnomAD. In silico models predict that this variant is possibly or probably damaging. In conclusion, we classify ABCB11 p.Arg1153Cys (c.3457C>T) as a pathogenic variant.

Natera, Inc.
Classification: Pathogenic for Progressive familial intrahepatic cholestasis type 2. Last evaluated: 2025-06-12. Review status: criteria provided, single submitter. Criteria: Natera Variant Classification Schema (03/2026). Collection method: clinical testing. Allele origin: germline.
Comment: The c.3457C>T variant in ABCB11 is a missense variant predicted to cause substitution of arginine to cysteine at amino acid 1153. This variant is rare in the general population with a frequency below the threshold expected for the associated phenotype(s). This variant has been observed in one or more individuals affected with the associated recessive disease, as either homozygous or compound heterozygous with a second variant (PMID: 9806540, 18395098, 20232290, 26678486, 27050426, 28119944, 34961929). This variant has been found together with another disease-causing variant in the same copy of the gene (PMID: 36687469). A different variant at the same position has been determined to be Pathogenic or Likely Pathogenic. Given the available evidence, this variant is classified as Pathogenic.

PreventionGenetics, part of Exact Sciences
Classification: Pathogenic for ABCB11-related condition. Last evaluated: 2025-05-23. Review status: criteria provided, single submitter. Criteria: ACMG Guidelines, 2015. Collection method: clinical testing. Allele origin: germline.
Comment: The ABCB11 c.3457C>T variant is predicted to result in the amino acid substitution p.Arg1153Cys. This variant has been reported as causative for intrahepatic cholestasis (Strautnieks et al. 1998. PubMed ID: 9806540; Al-Hussaini et al. 2021. PubMed ID: 33915153; Bakır et al. 2021. PubMed ID: 34961929). Functional studies have shown that the p.Arg1153Cys substitutions prevents proper protein localization and function (Wang et al. 2002. PubMed ID: 12370274; Byrne et al. 2009. PubMed ID: 19101985). An alternate substitution of this amino acid (p.Arg1153His) has also been reported in individuals with intrahepatic cholestasis (Strautnieks et al. 2008. PubMed ID: 18395098). This variant is reported in 0.0041% of alleles in individuals of African descent in gnomAD. We interpret c.3457C>T (p.Arg1153Cys) as pathogenic.

GeneDx
Classification: Pathogenic. Last evaluated: 2024-10-30. Review status: criteria provided, single submitter. Criteria: GeneDx Variant Classification Process June 2021. Collection method: clinical testing. Allele origin: germline. Affected: yes.
Comment: Published functional studies demonstrate this variant results in impaired transport activity and protein expression as compared to wild-type (PMID: 20010382, 12370274); In silico analysis supports that this missense variant has a deleterious effect on protein structure/function; This variant is associated with the following publications: (PMID: 19101985, 32808743, 18798335, 10579978, 17947449, 17241866, 28119944, 20422495, 9806540, 25085279, 26678486, 28733223, 20232290, 27050426, 18395098, 20683201, 32289814, 34016879, 35257483, 34961929, 12370274, 33915153, 26382629, 20010382)

Genomic Medicine Center of Excellence, King Faisal Specialist Hospital and Research Centre
Classification: Pathogenic for Progressive familial intrahepatic cholestasis type 2. Last evaluated: 2024-03-14. Review status: criteria provided, single submitter. Criteria: ACMG Guidelines, 2015. Collection method: research. Allele origin: germline.

Labcorp Genetics (formerly Invitae), Labcorp
Classification: Pathogenic. Last evaluated: 2024-03-06. Review status: criteria provided, single submitter. Criteria: Invitae Variant Classification Sherloc (09022015). Collection method: clinical testing. Allele origin: germline.
Comment: This sequence change replaces arginine, which is basic and polar, with cysteine, which is neutral and slightly polar, at codon 1153 of the ABCB11 protein (p.Arg1153Cys). This variant is present in population databases (rs72549395, gnomAD 0.004%). This missense change has been observed in individuals with familial intrahepatic cholestasis (PMID: 9806540, 18395098, 20232290, 26678486, 27050426). ClinVar contains an entry for this variant (Variation ID: 288726). Advanced modeling of protein sequence and biophysical properties (such as structural, functional, and spatial information, amino acid conservation, physicochemical variation, residue mobility, and thermodynamic stability) performed at Invitae indicates that this missense variant is expected to disrupt ABCB11 protein function with a positive predictive value of 95%. Experimental studies have shown that this missense change affects ABCB11 function (PMID: 12370274, 18798335). This variant disrupts the p.Arg1153 amino acid residue in ABCB11. Other variant(s) that disrupt this residue have been observed in individuals with ABCB11-related conditions (PMID: 18395098, 26678486), which suggests that this may be a clinically significant amino acid residue. For these reasons, this variant has been classified as Pathogenic.

Baylor Genetics
Classification: Pathogenic for Benign recurrent intrahepatic cholestasis type 2. Last evaluated: 2024-03-02. Review status: criteria provided, single submitter. Criteria: ACMG Guidelines, 2015. Collection method: clinical testing. Allele origin: unknown.

Fulgent Genetics
Classification: Pathogenic for Progressive familial intrahepatic cholestasis type 2; Benign recurrent intrahepatic cholestasis type 2. Last evaluated: 2024-02-10. Review status: criteria provided, single submitter. Criteria: ACMG Guidelines, 2015. Collection method: clinical testing. Allele origin: germline.

Revvity Omics, Revvity
Classification: Likely pathogenic. Last evaluated: 2021-03-18. Review status: criteria provided, single submitter. Criteria: ACMG Guidelines, 2015. Collection method: clinical testing. Allele origin: germline.

Baylor Genetics
Classification: Likely pathogenic for Progressive familial intrahepatic cholestasis type 2. Last evaluated: 2020-03-04. Review status: criteria provided, single submitter. Criteria: ACMG Guidelines, 2015. Collection method: clinical testing. Allele origin: unknown. Affected: yes.
Comment: This variant was determined to be likely pathogenic according to ACMG Guidelines, 2015 [PMID:25741868].

Eurofins Ntd Llc (ga)
Classification: Pathogenic. Last evaluated: 2017-11-14. Review status: criteria provided, single submitter. Criteria: EGL Classification Definitions 2015. Collection method: clinical testing. Allele origin: germline. Observed: 2 variant alleles, 2 heterozygotes.

Biochemical Molecular Genetic Laboratory, King Abdulaziz Medical City
Classification: Pathogenic for Progressive familial intrahepatic cholestasis type 2. Last evaluated: 2019-01-29. Review status: no assertion criteria provided. Collection method: clinical testing. Allele origin: germline. Affected: yes. Not counted in ClinVar's aggregate classification.

Genome Diagnostics Laboratory, University Medical Center Utrecht
Classification: Pathogenic. Review status: no assertion criteria provided. Collection method: clinical testing. Allele origin: germline. Affected: yes. Study: VKGL Data-share Consensus. Not counted in ClinVar's aggregate classification.

Joint Genome Diagnostic Labs from Nijmegen and Maastricht, Radboudumc and MUMC+
Classification: Pathogenic. Review status: no assertion criteria provided. Collection method: clinical testing. Allele origin: germline. Affected: yes. Study: VKGL Data-share Consensus. Not counted in ClinVar's aggregate classification.

Literature cited by the submitters: PubMed 37471416 (cited by Genomenon, Inc); PubMed 35780807 (cited by Genomenon, Inc); PubMed 34961929 (cited by Genomenon, Inc and Natera, Inc.); PubMed 33915153 (cited by Genomenon, Inc); PubMed 32309332 (cited by Genomenon, Inc); PubMed 28119944 (cited by Genomenon, Inc and Natera, Inc.); PubMed 18395098 (cited by 4 submitters); PubMed 20232290 (cited by 3 submitters); PubMed 26678486 (cited by 3 submitters); PubMed 27050426 (cited by 3 submitters); PubMed 40195555 (cited by Genomenon, Inc); PubMed 17947449 (cited by Genomenon, Inc); PubMed 20010382 (cited by Genomenon, Inc); PubMed 12370274 (cited by Genomenon, Inc and Labcorp Genetics (formerly Invitae), Labcorp); PubMed 9806540 (cited by 3 submitters); PubMed 36687469 (cited by Natera, Inc.); PubMed 18798335 (cited by Labcorp Genetics (formerly Invitae), Labcorp and Eurofins Ntd Llc (ga)).

NM_003742.4(ABCB11):c.3457C>T (p.Arg1153Cys)

Gene: ABCB11 (ATP binding cassette subfamily B member 11; minus strand). Cytogenetic location: 2q31.1.
Variant type: single nucleotide variant.
Coding change: c.3457C>T on transcript NM_003742.4 (MANE Select); coding-DNA position 3457, C replaced by T.
Protein change: p.Arg1153Cys; replaces arginine 1153 with cysteine.
Molecular consequence: missense variant.
Genome position (GRCh38, 1-based): chr2:168,927,317, G>A on the plus strand (C>T on the coding strand, the complement: ABCB11 is on the minus strand). VCF-style: chr2-168927317-G-A. GRCh37 (hg19) VCF-style: chr2-169783827-G-A.
Other names: c.3457C>T, p.Arg1153Cys (LRG_1199t1); short protein forms R1153C.
Identifiers: ClinVar variation 288726 (VCV000288726.37), dbSNP rs72549395, ClinGen allele CA1951010.